The following is an entry in ClinVar:

NM_182914.3(SYNE2):c.2472+5C>G

Gene: SYNE2 (spectrin repeat containing nuclear envelope protein 2; plus strand). Cytogenetic location: 14q23.2.
Variant type: single nucleotide variant.
Coding change: c.2472+5C>G on transcript NM_182914.3 (MANE Select); 5 bases into the intron after coding-DNA position 2472, C replaced by G.
Molecular consequence: intron variant.
Genome position (GRCh38, 1-based): chr14:63,990,574, C>G. VCF-style: chr14-63990574-C-G. GRCh37 (hg19) VCF-style: chr14-64457292-C-G.
Other names: c.2472+5C>G (NM_015180.6).
Identifiers: ClinVar variation 1380678 (VCV001380678.8), dbSNP rs537534571, ClinGen allele CA7219693.

ClinVar aggregate classification (germline): Conflicting classifications of pathogenicity. Review status: criteria provided, conflicting classifications (1 of 4 stars). 2 submissions from 2 submitters: Uncertain significance (1); Likely benign (1). Last evaluated 2026-05-01.

Conditions:
Emery-Dreifuss muscular dystrophy 5, autosomal dominant (EDMD5). Also called: EMERY-DREIFUSS MUSCULAR DYSTROPHY 5. Identifiers: Orphanet 261, MedGen C2751805, MONDO:0013072, OMIM 612999.

Allele frequency attached by ClinVar (database versions not stated): gnomAD exomes below 0.00001; TOPMed below 0.00001; ExAC 0.00001; gnomAD 0.00001; 1000 Genomes Project 30x 0.00016; 1000 Genomes Project 0.00040.
gnomAD v4.1: 1 of 1,613,474 alleles (0.000062%); highest among the groups gnomAD compares: African/African-American, 0.0013%; no homozygotes.

Submissions (2):

CeGaT Center for Human Genetics Tuebingen
Classification: Likely benign. Last evaluated: 2026-05-01. Review status: criteria provided, single submitter. Criteria: CeGaT Center For Human Genetics Tuebingen Variant Classification Criteria Version 2. Collection method: clinical testing. Allele origin: germline. Affected: yes. Observed: 1 variant allele.
Comment: SYNE2: BP4

Labcorp Genetics (formerly Invitae), Labcorp
Classification: Uncertain significance for Emery-Dreifuss muscular dystrophy 5, autosomal dominant. Last evaluated: 2022-08-06. Review status: criteria provided, single submitter. Criteria: Invitae Variant Classification Sherloc (09022015). Collection method: clinical testing. Allele origin: germline.
Comment: In summary, the available evidence is currently insufficient to determine the role of this variant in disease. Therefore, it has been classified as a Variant of Uncertain Significance. Variants that disrupt the consensus splice site are a relatively common cause of aberrant splicing (PMID: 17576681, 9536098). Algorithms developed to predict the effect of sequence changes on RNA splicing suggest that this variant may create or strengthen a splice site. ClinVar contains an entry for this variant (Variation ID: 1380678). This variant has not been reported in the literature in individuals affected with SYNE2-related conditions. This variant is present in population databases (rs537534571, gnomAD 0.007%). This sequence change falls in intron 20 of the SYNE2 gene. It does not directly change the encoded amino acid sequence of the SYNE2 protein. It affects a nucleotide within the consensus splice site.

Literature cited by the submitters: PubMed 17576681 (cited by Labcorp Genetics (formerly Invitae), Labcorp); PubMed 9536098 (cited by Labcorp Genetics (formerly Invitae), Labcorp).